The following is an entry in ClinVar:

NM_006915.3(RP2):c.*435C>T

Gene: RP2 (RP2 activator of ARL3 GTPase; plus strand). Cytogenetic location: Xp11.3.
Variant type: single nucleotide variant.
Coding change: c.*435C>T on transcript NM_006915.3 (MANE Select); 435 bases downstream of the stop codon, C replaced by T.
Molecular consequence: 3 prime UTR variant.
Genome position (GRCh38, 1-based): chrX:46,880,204, C>T. VCF-style: chrX-46880204-C-T. GRCh37 (hg19) VCF-style: chrX-46739639-C-T.
Identifiers: ClinVar variation 368310 (VCV000368310.5), dbSNP rs147975002, ClinGen allele CA10654321.

ClinVar aggregate classification (germline): Benign (1 of 4 stars; one submission).

Conditions:
Retinitis pigmentosa (RP). Identifiers: Orphanet 791, MedGen C0035334, MeSH D012174, MONDO:0019200, OMIM 268000. Inheritance: Autosomal dominant, autosomal recessive and X linked inheritance.

Allele frequency attached by ClinVar (database versions not stated): gnomAD exomes 0.00076; gnomAD 0.00447 and 0.00468; TOPMed 0.00452; 1000 Genomes Project 30x 0.00624; 1000 Genomes Project 0.00742.
gnomAD v4.1: 495 of 113,064 alleles (0.44%); highest among the groups gnomAD compares: African/African-American, 1.5%; 1 homozygote.

Submission:

Illumina Laboratory Services, Illumina
Classification: Benign for Retinitis pigmentosa. Last evaluated: 2018-01-13. Review status: criteria provided, single submitter. Criteria: ICSL Variant Classification Criteria 13 December 2019. Collection method: clinical testing. Allele origin: germline.
Comment: This variant was observed in the ICSL laboratory as part of a predisposition screen in an ostensibly healthy population. It had not been previously curated by ICSL or reported in the Human Gene Mutation Database (HGMD: prior to June 1st, 2018), and was therefore a candidate for classification through an automated scoring system. Utilizing variant allele frequency, disease prevalence and penetrance estimates, and inheritance mode, an automated score was calculated to assess if this variant is too frequent to cause the disease. Based on the score and internal cut-off values, a variant classified as benign is not then subjected to further curation. The score for this variant resulted in a classification of benign for this disease.